The following is an entry in ClinVar:

ClinVar aggregate classification (germline): Uncertain significance (1 of 4 stars; one submission).

Conditions:
Epilepsy, progressive myoclonic, 1B. Also called: PME. Identifiers: Orphanet 308, MedGen C2676254, MONDO:0012904, OMIM 612437.

Allele frequency attached by ClinVar (database versions not stated): gnomAD 0.00001; TOPMed 0.00001.
gnomAD v4.1: 9 of 1,613,994 alleles (0.00056%); highest among the groups gnomAD compares: South Asian, 0.0022%; no homozygotes.

Submission:

Labcorp Genetics (formerly Invitae), Labcorp
Classification: Uncertain significance for Epilepsy, progressive myoclonic, 1B. Last evaluated: 2021-12-08. Review status: criteria provided, single submitter. Criteria: Invitae Variant Classification Sherloc (09022015). Collection method: clinical testing. Allele origin: germline.
Comment: This sequence change replaces arginine, which is basic and polar, with histidine, which is basic and polar, at codon 675 of the PRICKLE1 protein (p.Arg675His). This variant is present in population databases (no rsID available, gnomAD 0.003%). This variant has not been reported in the literature in individuals affected with PRICKLE1-related conditions. Algorithms developed to predict the effect of missense changes on protein structure and function output the following: SIFT: "Tolerated"; PolyPhen-2: "Benign"; Align-GVGD: "Class C0". The histidine amino acid residue is found in multiple mammalian species, which suggests that this missense change does not adversely affect protein function. In summary, the available evidence is currently insufficient to determine the role of this variant in disease. Therefore, it has been classified as a Variant of Uncertain Significance.

NM_153026.3(PRICKLE1):c.2024G>A (p.Arg675His)

Gene: PRICKLE1 (prickle planar cell polarity protein 1; minus strand). Cytogenetic location: 12q12.
Variant type: single nucleotide variant.
Coding change: c.2024G>A on transcript NM_153026.3 (MANE Select); coding-DNA position 2024, G replaced by A.
Protein change: p.Arg675His; replaces arginine 675 with histidine.
Molecular consequence: missense variant.
Genome position (GRCh38, 1-based): chr12:42,460,281, C>T on the plus strand (G>A on the coding strand, the complement: PRICKLE1 is on the minus strand). VCF-style: chr12-42460281-C-T. GRCh37 (hg19) VCF-style: chr12-42854083-C-T.
Other names: c.2024G>A, p.Arg675His (NM_001144881.2, NM_001144882.2, NM_001144883.2); short protein forms R675H.
Identifiers: ClinVar variation 1434547 (VCV001434547.3), dbSNP rs1233536174, ClinGen allele CA384440366.